The following is an entry in ClinVar:

NM_024675.4(PALB2):c.517_523delinsAAAGGACAG (p.Gly173fs)

Gene: PALB2 (partner and localizer of BRCA2; minus strand). Cytogenetic location: 16p12.2.
Variant type: Indel.
Coding change: c.517_523delinsAAAGGACAG on transcript NM_024675.4 (MANE Select); coding-DNA positions 517 to 523, GGGAAAA replaced by AAAGGACAG.
Protein change: p.Gly173fs; shifts the reading frame from glycine 173.
Molecular consequence: frameshift variant.
Genome position (GRCh38, 1-based): chr16:23,636,023-23,636,029, TTTTCCC replaced by CTGTCCTTT on the plus strand (GGGAAAA replaced by AAAGGACAG on the coding strand, the reverse complement: PALB2 is on the minus strand). VCF-style: chr16-23636023-TTTTCCC-CTGTCCTTT. GRCh37 (hg19) VCF-style: chr16-23647344-TTTTCCC-CTGTCCTTT.
Other names: c.457_463delGGGAAAAinsAAAGGACAG, p.Gly153Lysfs (NM_001407296.1); c.517_523delGGGAAAAinsAAAGGACAG, p.Gly173Lysfs (NM_001407297.1, NM_001407298.1, NM_001407299.1 and 3 more transcripts); c.-369_-363delGGGAAAAinsAAAGGACAG (NM_001407304.1, NM_001407305.1, NM_001407306.1 and 5 more transcripts); short protein forms G173fs.
Identifiers: ClinVar variation 1745801 (VCV001745801.2), dbSNP rs2506508979, ClinGen allele CA2580091366.
Genomic context (GRCh38, chr16:23,636,023, plus strand): 5'-TTTCAGTTACTGGTGATCTAGCAGGATTTTTGCTACTGATTTCTTCCTGTTCCTTTAGTC[TTTTCCC>CTGTCCTTT]AGACAATCTGAGTGAATCAGTGCCAAAGACACAGTCTCTCTCCTGTGAAATAAATGTCCT-3'

ClinVar aggregate classification (germline): Pathogenic (1 of 4 stars; one submission).

Conditions:
Hereditary cancer-predisposing syndrome. Also called: Hereditary Cancer Syndrome; Neoplastic Syndromes, Hereditary; Tumor predisposition; Hereditary neoplastic syndrome. Identifiers: Orphanet 140162, MedGen C0027672, MeSH D009386, MONDO:0015356.

Submission:

Ambry Genetics
Classification: Pathogenic for Hereditary cancer-predisposing syndrome. Last evaluated: 2015-10-08. Review status: criteria provided, single submitter. Criteria: Ambry Variant Classification Scheme 2023. Collection method: clinical testing. Allele origin: germline.
Comment: The c.517_523delGGGAAAAinsAAAGGACAG pathogenic mutation, located in coding exon 4 of the PALB2 gene, results from the deletion of 7 nucleotides and insertion of 9 nucleotides causing a translational frameshift with a predicted alternate stop codon. Since frameshifts are typically deleterious in nature, this alteration is interpreted as a disease-causing mutation (ACMG Recommendations for Standards for Interpretation and Reporting of Sequence Variations. Revision 2007. Genet Med. 2008;10:294).